The following is an entry in ClinVar:

ClinVar aggregate classification (germline): Uncertain significance (1 of 4 stars; one submission).

Conditions:
Early-infantile DEE. Also called: Ohtahara syndrome; Early infantile epileptic encephalopathy with suppression bursts; Early infantile epileptic encephalopathy. Identifiers: Orphanet 1934, MedGen C0393706, MONDO:0800491.

gnomAD v4.1: 5 of 1,614,184 alleles (0.00031%); highest among the groups gnomAD compares: Non-Finnish European, 0.00034%; no homozygotes.

Submission:

Labcorp Genetics (formerly Invitae), Labcorp
Classification: Uncertain significance for Early-infantile DEE. Last evaluated: 2024-04-25. Review status: criteria provided, single submitter. Criteria: Invitae Variant Classification Sherloc (09022015). Collection method: clinical testing. Allele origin: germline.
Comment: This sequence change replaces histidine, which is basic and polar, with tyrosine, which is neutral and polar, at codon 1339 of the SPTAN1 protein (p.His1339Tyr). This variant is not present in population databases (gnomAD no frequency). This variant has not been reported in the literature in individuals affected with SPTAN1-related conditions. Advanced modeling of protein sequence and biophysical properties (such as structural, functional, and spatial information, amino acid conservation, physicochemical variation, residue mobility, and thermodynamic stability) has been performed at Invitae for this missense variant, however the output from this modeling did not meet the statistical confidence thresholds required to predict the impact of this variant on SPTAN1 protein function. In summary, the available evidence is currently insufficient to determine the role of this variant in disease. Therefore, it has been classified as a Variant of Uncertain Significance.

NM_001130438.3(SPTAN1):c.4015C>T (p.His1339Tyr)

Gene: SPTAN1 (spectrin alpha, non-erythrocytic 1; plus strand). Cytogenetic location: 9q34.11.
Variant type: single nucleotide variant.
Coding change: c.4015C>T on transcript NM_001130438.3 (MANE Select); coding-DNA position 4015, C replaced by T.
Protein change: p.His1339Tyr; replaces histidine 1339 with tyrosine.
Molecular consequence: missense variant.
Genome position (GRCh38, 1-based): chr9:128,605,446, C>T. VCF-style: chr9-128605446-C-T. GRCh37 (hg19) VCF-style: chr9-131367725-C-T.
Other names: c.3955C>T, p.His1319Tyr (NM_001195532.2, NM_001363765.2, NM_001375314.2); c.4015C>T, p.His1339Tyr (NM_001363759.2, NM_001375310.1, NM_001375311.2 and 2 more transcripts); c.4051C>T, p.His1351Tyr (NM_001375312.2, NM_001375318.1); short protein forms H1351Y, H1319Y, H1339Y.
Identifiers: ClinVar variation 3719784 (VCV003719784.2).